The following is an entry in ClinVar:

NM_152564.5(VPS13B):c.10376T>C (p.Met3459Thr)

Gene: VPS13B (vacuolar protein sorting 13 homolog B; plus strand). Cytogenetic location: 8q22.2.
Variant type: single nucleotide variant.
Coding change: c.10376T>C on transcript NM_152564.5 (MANE Select); coding-DNA position 10376, T replaced by C.
Protein change: p.Met3459Thr; replaces methionine 3459 with threonine.
Molecular consequence: missense variant.
Genome position (GRCh38, 1-based): chr8:99,853,765, T>C. VCF-style: chr8-99853765-T-C. GRCh37 (hg19) VCF-style: chr8-100865993-T-C.
Other names: c.10451T>C, p.Met3484Thr (NM_017890.5); short protein forms M3459T, M3484T.
Identifiers: ClinVar variation 2193973 (VCV002193973.4), dbSNP rs768868798, ClinGen allele CA4824938.

ClinVar aggregate classification (germline): Uncertain significance. Review status: criteria provided, multiple submitters, no conflicts (2 of 4 stars). 3 submissions from 3 submitters: Uncertain significance (3). Last evaluated 2024-10-10.

Conditions:
VPS13B-related disorder. Also called: VPS13B-related condition.
Cohen syndrome (COH1). Also called: PEPPER SYNDROME; Cutis verticis gyrata, retinitis pigmentosa, and sensorineural deafness. Identifiers: Orphanet 193, MedGen C0265223, MONDO:0008999, OMIM 216550.

Allele frequency attached by ClinVar (database versions not stated): ExAC 0.00001; gnomAD exomes 0.00001; TOPMed 0.00001.
gnomAD v4.1: 6 of 1,614,236 alleles (0.00037%); highest among the groups gnomAD compares: Admixed American, 0.01%; no homozygotes.

Submissions (3):

PreventionGenetics, part of Exact Sciences
Classification: Uncertain significance for VPS13B-related condition. Last evaluated: 2024-10-10. Review status: criteria provided, single submitter. Criteria: ACMG Guidelines, 2015. Collection method: clinical testing. Allele origin: germline.
Comment: The VPS13B c.10376T>C variant is predicted to result in the amino acid substitution p.Met3459Thr. To our knowledge, this variant has not been reported in the literature. This variant is reported in 0.012% of alleles in individuals of Latino descent in gnomAD. At this time, the clinical significance of this variant is uncertain due to the absence of conclusive functional and genetic evidence.

Fulgent Genetics
Classification: Uncertain significance for Cohen syndrome. Last evaluated: 2024-01-25. Review status: criteria provided, single submitter. Criteria: ACMG Guidelines, 2015. Collection method: clinical testing. Allele origin: germline.

Labcorp Genetics (formerly Invitae), Labcorp
Classification: Uncertain significance for Cohen syndrome. Last evaluated: 2022-07-27. Review status: criteria provided, single submitter. Criteria: Invitae Variant Classification Sherloc (09022015). Collection method: clinical testing. Allele origin: germline.
Comment: This sequence change replaces methionine, which is neutral and non-polar, with threonine, which is neutral and polar, at codon 3484 of the VPS13B protein (p.Met3484Thr). This variant is present in population databases (rs768868798, gnomAD 0.01%). This variant has not been reported in the literature in individuals affected with VPS13B-related conditions. Algorithms developed to predict the effect of missense changes on protein structure and function output the following: SIFT: "Not Available"; PolyPhen-2: "Benign"; Align-GVGD: "Not Available". The threonine amino acid residue is found in multiple mammalian species, which suggests that this missense change does not adversely affect protein function. In summary, the available evidence is currently insufficient to determine the role of this variant in disease. Therefore, it has been classified as a Variant of Uncertain Significance.